The following is an entry in ClinVar:

NM_052867.4(NALCN):c.2496del (p.Phe833fs)

Gene: NALCN (sodium leak channel, non-selective; minus strand). Cytogenetic location: 13q33.1.
Variant type: Deletion.
Coding change: c.2496del on transcript NM_052867.4 (MANE Select); coding-DNA position 2496, one base deleted (C; older notation c.2496delC).
Protein change: p.Phe833fs; shifts the reading frame from phenylalanine 833.
Molecular consequence: frameshift variant.
Genome position (GRCh38, 1-based): chr13:101,107,570, G deleted on the plus strand (C on the coding strand, the reverse complement: NALCN is on the minus strand). VCF-style (leftmost placement, unchanged base first): chr13-101107569-AG-A. GRCh37 (hg19) VCF-style: chr13-101759920-AG-A.
Other names: c.2583del, p.Phe862fs (NM_001350748.2); c.2496del, p.Phe833fs (NM_001350749.2); c.2409del, p.Phe804fs (NM_001350750.2, NM_001350751.2); short protein forms F862fs, F804fs, F833fs.
Identifiers: ClinVar variation 5005213 (VCV005005213.2).
Genomic context (GRCh38, chr13:101,107,569, plus strand): 5'-CCACCCGGCAAAAGTTTCTGAACCTGTGTTCTCGCCCGACAATGAACAGTGGCTTATCGA[AG>A]TATGGGTGGTTCTCTCTGAGTTCCTCTTCTTGCACTTTCCTTGAAGGAGAAATTCATGGG-3'

ClinVar aggregate classification (germline): Likely pathogenic (1 of 4 stars; one submission).

Conditions:
Hypotonia, infantile, with psychomotor retardation and characteristic facies 1 (INNFD). Identifiers: Orphanet 371364, Orphanet 700336, MedGen C3809454, MONDO:0024567, OMIM 615419.

Submission:

Juno Genomics, Hangzhou Juno Genomics, Inc
Classification: Likely pathogenic for Hypotonia, infantile, with psychomotor retardation and characteristic facies 1. Review status: criteria provided, single submitter. Criteria: ACMG Guidelines, 2015. Collection method: clinical testing. Allele origin: germline.
Comment: Null variant in a gene where loss of function (LOF) is a known mechanism of disease.;Absent from controls (or at extremely low frequency if recessive) in Genome Aggregation Database.